The following is an entry in ClinVar:

ClinVar aggregate classification (germline): Conflicting classifications of pathogenicity. Review status: criteria provided, conflicting classifications (1 of 4 stars). 3 submissions from 3 submitters: Likely pathogenic (2); Uncertain significance (1). Last evaluated 2024-12-19.

Conditions:
Autosomal recessive congenital ichthyosis 2 (ARCI2). Identifiers: Orphanet 281122, Orphanet 79394, MedGen C3888093, MONDO:0009439, OMIM 242100.

Submissions (3):

Genomic Medicine Center of Excellence, King Faisal Specialist Hospital and Research Centre
Classification: Likely pathogenic for Autosomal recessive congenital ichthyosis 2. Last evaluated: 2024-12-19. Review status: criteria provided, single submitter. Criteria: ACMG Guidelines, 2015. Collection method: clinical testing. Allele origin: germline.

Baylor Genetics
Classification: Uncertain significance for Autosomal recessive congenital ichthyosis 2. Last evaluated: 2019-07-31. Review status: criteria provided, single submitter. Criteria: ACMG Guidelines, 2015. Collection method: clinical testing. Allele origin: unknown. Affected: yes.
Comment: This variant was determined to be of uncertain significance according to ACMG Guidelines, 2015 [PMID:25741868].

Uitto Lab, Thomas Jefferson University
Classification: Likely pathogenic for Ichthyosiform Erythroderma, Congenital, Nonbullous, 1. Last evaluated: 2018-06-08. Review status: criteria provided, single submitter. Criteria: ACMG Guidelines, 2015. Collection method: clinical testing. Allele origin: germline. Affected: yes. Study: Rare heritable connective tissue and skin disorders in Iranian cohort.

NM_001139.3(ALOX12B):c.83G>A (p.Gly28Glu)

Gene: ALOX12B (arachidonate 12-lipoxygenase, 12R type; minus strand). Cytogenetic location: 17p13.1.
Variant type: single nucleotide variant.
Coding change: c.83G>A on transcript NM_001139.3 (MANE Select); coding-DNA position 83, G replaced by A.
Protein change: p.Gly28Glu; replaces glycine 28 with glutamic acid.
Molecular consequence: missense variant.
Genome position (GRCh38, 1-based): chr17:8,087,360, C>T on the plus strand (G>A on the coding strand, the complement: ALOX12B is on the minus strand). VCF-style: chr17-8087360-C-T. GRCh37 (hg19) VCF-style: chr17-7990678-C-T.
Other names: c.83G>A, p.Gly28Glu (LRG_1264t1); short protein forms G28E.
Identifiers: ClinVar variation 633819 (VCV000633819.4), dbSNP rs1567985822, ClinGen allele CA398000697.
Genomic context (GRCh38, chr17:8,087,360, plus strand): 5'-CCAGTTGCAAAGTCTCTCCCAAAGTGGTTCAGCAGCTGCTTATGGCTCTCTCCTTGTGTC[C>T]CCACAATGGTCAGTGAGATGGAGTCCCGTGTTCCCGACAAGAGGTCGGTGCCTGTGGCCA-3'
Protein context (NP_001130.1, residues 18-38): TRDSISLTIV[Gly28Glu]TQGESHKQLL